The following is an entry in ClinVar:

ClinVar aggregate classification (germline): Uncertain significance (1 of 4 stars; one submission).

Submission:

Labcorp Genetics (formerly Invitae), Labcorp
Classification: Uncertain significance. Last evaluated: 2023-08-08. Review status: criteria provided, single submitter. Criteria: Invitae Variant Classification Sherloc (09022015). Collection method: clinical testing. Allele origin: germline.
Comment: This sequence change falls in intron 23 of the C3 gene. It does not directly change the encoded amino acid sequence of the C3 protein. It affects a nucleotide within the consensus splice site. This variant is not present in population databases (gnomAD no frequency). This variant has not been reported in the literature in individuals affected with C3-related conditions. Variants that disrupt the consensus splice site are a relatively common cause of aberrant splicing (PMID: 17576681, 9536098). Algorithms developed to predict the effect of sequence changes on RNA splicing suggest that this variant is not likely to affect RNA splicing. In summary, the available evidence is currently insufficient to determine the role of this variant in disease. Therefore, it has been classified as a Variant of Uncertain Significance.

Literature cited by the submitters: PubMed 17576681; PubMed 9536098.

NM_000064.4(C3):c.2950+5G>A

Gene: C3 (complement C3; minus strand). Cytogenetic location: 19p13.3.
Variant type: single nucleotide variant.
Coding change: c.2950+5G>A on transcript NM_000064.4 (MANE Select); 5 bases into the intron after coding-DNA position 2950, G replaced by A.
Molecular consequence: intron variant.
Genome position (GRCh38, 1-based): chr19:6,696,374, C>T on the plus strand (G>A on the coding strand, the complement: C3 is on the minus strand). VCF-style: chr19-6696374-C-T. GRCh37 (hg19) VCF-style: chr19-6696385-C-T.
Identifiers: ClinVar variation 2751239 (VCV002751239.3), dbSNP rs1439652148, ClinGen allele CA2320558482.